The following is an entry in ClinVar:

NM_030632.3(ASXL3):c.2586A>G (p.Lys862=)

Gene: ASXL3 (ASXL transcriptional regulator 3; plus strand). Cytogenetic location: 18q12.1.
Variant type: single nucleotide variant.
Coding change: c.2586A>G on transcript NM_030632.3 (MANE Select); coding-DNA position 2586, A replaced by G.
Protein change: p.Lys862=; no amino-acid change (lysine 862 retained).
Molecular consequence: synonymous variant.
Genome position (GRCh38, 1-based): chr18:33,739,990, A>G. VCF-style: chr18-33739990-A-G. GRCh37 (hg19) VCF-style: chr18-31319954-A-G.
Identifiers: ClinVar variation 3047815 (VCV003047815.22), dbSNP rs570455539, ClinGen allele CA8933943.

ClinVar aggregate classification (germline): Likely benign. Review status: criteria provided, single submitter (1 of 4 stars). 2 submissions from 2 submitters: Likely benign (1). 1 of the submissions does not count toward it. Last evaluated 2026-01-01.

Conditions:
ASXL3-related disorder. Also called: ASXL3-related condition. Identifiers: MedGen CN381524.

Allele frequency attached by ClinVar (database versions not stated): gnomAD 0.00016; ExAC 0.00082; 1000 Genomes Project 30x 0.00125; 1000 Genomes Project 0.00160.
gnomAD v4.1: 404 of 1,613,954 alleles (0.025%); highest among the groups gnomAD compares: South Asian, 0.42%; 6 homozygotes.

Submissions (2):

CeGaT Center for Human Genetics Tuebingen
Classification: Likely benign. Last evaluated: 2026-01-01. Review status: criteria provided, single submitter. Criteria: CeGaT Center For Human Genetics Tuebingen Variant Classification Criteria Version 2. Collection method: clinical testing. Allele origin: germline. Affected: yes. Observed: 3 variant alleles.
Comment: ASXL3: BP4, BP7, BS1

PreventionGenetics, part of Exact Sciences
Classification: Likely benign for ASXL3-related condition. Last evaluated: 2021-02-22. Review status: no assertion criteria provided. Collection method: clinical testing. Allele origin: germline. Not counted in ClinVar's aggregate classification.
Comment: This variant is classified as likely benign based on ACMG/AMP sequence variant interpretation guidelines (Richards et al. 2015 PMID: 25741868, with internal and published modifications).